The following is an entry in ClinVar:

ClinVar aggregate classification (germline): Uncertain significance. Review status: criteria provided, multiple submitters, no conflicts (2 of 4 stars). 4 submissions from 4 submitters: Uncertain significance (3). 1 of the submissions does not count toward it. Last evaluated 2024-11-18.

Conditions:
Familial dysautonomia. Also called: HSAN III; FD. Identifiers: Orphanet 1764, MedGen C0013364, MONDO:0009131, OMIM 223900. Disease mechanism: loss of function.
Medulloblastoma (MDB). Also called: Medulloblastoma, somatic; MEDULLOBLASTOMA PREDISPOSITION SYNDROME. Identifiers: Orphanet 616, MedGen C0025149, MeSH D008527, MONDO:0007959, OMIM 155255, HP:0002885.

Allele frequency attached by ClinVar (database versions not stated): TOPMed below 0.00001; gnomAD 0.00001; gnomAD exomes 0.00001 and 0.00007; ExAC 0.00010; 1000 Genomes Project 0.00020; 1000 Genomes Project 30x 0.00031.
gnomAD v4.1: 20 of 1,612,496 alleles (0.0012%); highest among the groups gnomAD compares: Admixed American, 0.033%; no homozygotes.

Submissions (4):

Ambry Genetics
Classification: Uncertain significance. Last evaluated: 2024-11-18. Review status: criteria provided, single submitter. Criteria: Ambry Variant Classification Scheme 2023. Collection method: clinical testing. Allele origin: germline.

Labcorp Genetics (formerly Invitae), Labcorp
Classification: Uncertain significance. Last evaluated: 2022-07-06. Review status: criteria provided, single submitter. Criteria: Invitae Variant Classification Sherloc (09022015). Collection method: clinical testing. Allele origin: germline.
Comment: This sequence change replaces glutamine, which is neutral and polar, with histidine, which is basic and polar, at codon 1301 of the ELP1 protein (p.Gln1301His). This variant is present in population databases (rs200524123, gnomAD 0.06%). This variant has not been reported in the literature in individuals affected with ELP1-related conditions. ClinVar contains an entry for this variant (Variation ID: 971589). Algorithms developed to predict the effect of missense changes on protein structure and function (SIFT, PolyPhen-2, Align-GVGD) all suggest that this variant is likely to be tolerated. In summary, the available evidence is currently insufficient to determine the role of this variant in disease. Therefore, it has been classified as a Variant of Uncertain Significance.

Fulgent Genetics
Classification: Uncertain significance for Medulloblastoma; Familial dysautonomia. Last evaluated: 2022-03-24. Review status: criteria provided, single submitter. Criteria: ACMG Guidelines, 2015. Collection method: clinical testing. Allele origin: unknown.

Natera, Inc.
Classification: Uncertain significance for Familial dysautonomia. Last evaluated: 2020-05-06. Review status: no assertion criteria provided. Collection method: clinical testing. Allele origin: germline. Not counted in ClinVar's aggregate classification.

NM_003640.5(ELP1):c.3903G>T (p.Gln1301His)

Gene: ELP1 (elongator acetyltransferase complex subunit 1; minus strand). Cytogenetic location: 9q31.3.
Variant type: single nucleotide variant.
Coding change: c.3903G>T on transcript NM_003640.5 (MANE Select); coding-DNA position 3903, G replaced by T.
Protein change: p.Gln1301His; replaces glutamine 1301 with histidine.
Molecular consequence: missense variant.
Genome position (GRCh38, 1-based): chr9:108,874,923, C>A on the plus strand (G>T on the coding strand, the complement: ELP1 is on the minus strand). VCF-style: chr9-108874923-C-A. GRCh37 (hg19) VCF-style: chr9-111637203-C-A.
Other names: c.3561G>T, p.Gln1187His (NM_001318360.2); c.2856G>T, p.Gln952His (NM_001330749.2); short protein forms Q1187H, Q1301H, Q952H.
Identifiers: ClinVar variation 971589 (VCV000971589.7), dbSNP rs200524123, ClinGen allele CA5174139.